The following is an entry in ClinVar:

NM_014000.3(VCL):c.2924G>A (p.Arg975Gln)

Gene: VCL (vinculin; plus strand). Cytogenetic location: 10q22.2.
Variant type: single nucleotide variant.
Coding change: c.2924G>A on transcript NM_014000.3 (MANE Select); coding-DNA position 2924, G replaced by A.
Protein change: p.Arg975Gln; replaces arginine 975 with glutamine.
Molecular consequence: missense variant. On other transcripts: intron variant (1).
Genome position (GRCh38, 1-based): chr10:74,112,087, G>A. VCF-style: chr10-74112087-G-A. GRCh37 (hg19) VCF-style: chr10-75871845-G-A.
Other names: c.2746-2097G>A (NM_003373.4); short protein forms R975Q.
Identifiers: ClinVar variation 191002 (VCV000191002.16), dbSNP rs767325003, ClinGen allele CA235793.
Genomic context (GRCh38, chr10:74,112,087, plus strand): 5'-TAATGCCATCCAATCAGCCGGTCAACCAGCCCATTCTGGCCGCGGCTCAGTCCTTGCATC[G>A]GGAAGCTACCAAGTGGTCTAGTAAGGTACTGATAAGCACCCCCAGTTGGGGGCTGCTCCA-3'
Protein context (NP_054706.1, residues 965-985): PILAAAQSLH[Arg975Gln]EATKWSSKGN

ClinVar aggregate classification (germline): Conflicting classifications of pathogenicity. Review status: criteria provided, conflicting classifications (1 of 4 stars). 7 submissions from 7 submitters: Uncertain significance (4); Likely benign (3). Last evaluated 2025-01-26.

Conditions:
Cardiovascular phenotype. Identifiers: MedGen CN230736.
Hypertrophic cardiomyopathy 15. Identifiers: MedGen C2750459, MONDO:0013200, OMIM 613255.
Dilated cardiomyopathy 1W (CMD1W). Identifiers: Orphanet 154, MedGen C1969639, MONDO:0012667, OMIM 611407.

Allele frequency attached by ClinVar (database versions not stated): gnomAD 0.00001; TOPMed 0.00004.
gnomAD v4.1: 60 of 1,614,046 alleles (0.0037%); highest among the groups gnomAD compares: South Asian, 0.021%; 2 homozygotes.

Submissions (7):

Labcorp Genetics (formerly Invitae), Labcorp
Classification: Uncertain significance for Dilated cardiomyopathy 1W. Last evaluated: 2025-01-26. Review status: criteria provided, single submitter. Criteria: Invitae Variant Classification Sherloc (09022015). Collection method: clinical testing. Allele origin: germline.
Comment: This sequence change replaces arginine, which is basic and polar, with glutamine, which is neutral and polar, at codon 975 of the VCL protein (p.Arg975Gln). This variant is present in population databases (rs767325003, gnomAD 0.02%). This variant has not been reported in the literature in individuals affected with VCL-related conditions. ClinVar contains an entry for this variant (Variation ID: 191002). An algorithm developed to predict the effect of missense changes on protein structure and function (PolyPhen-2) suggests that this variant¬†is likely to be tolerated. In summary, the available evidence is currently insufficient to determine the role of this variant in disease. Therefore, it has been classified as a Variant of Uncertain Significance.

Ambry Genetics
Classification: Likely benign for Cardiovascular phenotype. Last evaluated: 2024-01-11. Review status: criteria provided, single submitter. Criteria: Ambry Variant Classification Scheme 2023. Collection method: clinical testing. Allele origin: germline.

Women's Health and Genetics/Laboratory Corporation of America, LabCorp
Classification: Likely benign. Last evaluated: 2023-12-18. Review status: criteria provided, single submitter. Criteria: LabCorp Variant Classification Summary - May 2015. Collection method: clinical testing. Allele origin: germline.
Comment: Variant summary: VCL c.2924G>A (p.Arg975Gln) results in a conservative amino acid change in the encoded protein sequence. Four of five in-silico tools predict a benign effect of the variant on protein function. The variant allele was found at a frequency of 3.7e-05 in 1614046 control chromosomes in the gnomAD database, including 2 homozygotes. The observed variant frequency is approximately 1.5 fold of the estimated maximal expected allele frequency for a pathogenic variant in VCL causing Cardiomyopathy phenotype (2.5e-05), suggesting that the variant is benign. To our knowledge, no occurrence of c.2924G>A in individuals affected with Cardiomyopathy and no experimental evidence demonstrating its impact on protein function have been reported. Four submitters have cited clinical-significance assessments for this variant to ClinVar after 2014, classifying the variant as uncertain significance (n=3) or likely benign (n=1). Based on the evidence outlined above, the variant was classified as likely benign.

Fulgent Genetics
Classification: Uncertain significance for Dilated cardiomyopathy 1W; Hypertrophic cardiomyopathy 15. Last evaluated: 2021-09-21. Review status: criteria provided, single submitter. Criteria: ACMG Guidelines, 2015. Collection method: clinical testing. Allele origin: unknown.

Illumina Laboratory Services, Illumina
Classification: Uncertain significance for Dilated cardiomyopathy 1W. Last evaluated: 2017-04-27. Review status: criteria provided, single submitter. Criteria: ICSL Variant Classification Criteria 13 December 2019. Collection method: clinical testing. Allele origin: germline.
Comment: This variant was observed as part of a predisposition screen in an ostensibly healthy population. A literature search was performed for the gene, cDNA change, and amino acid change (where applicable). Publications were found based on this search. However, the evidence from the literature, in combination with allele frequency data from public databases where available, was not sufficient to rule this variant in or out of causing disease. Therefore, this variant is classified as a variant of unknown significance.

Genomic Medicine Center of Excellence, King Faisal Specialist Hospital and Research Centre
Classification: Likely benign. Last evaluated: 2016-09-28. Review status: criteria provided, single submitter. Criteria: ACMG Guidelines, 2015. Collection method: research. Allele origin: germline. Affected: yes.

Breakthrough Genomics
Classification: Uncertain significance. Review status: criteria provided, single submitter. Criteria: ACMG Guidelines, 2015. Collection method: not provided. Allele origin: germline. Inheritance: Autosomal dominant inheritance. Affected: yes.

Literature cited by the submitters: PubMed 27503891 (cited by Women's Health and Genetics/Laboratory Corporation of America, LabCorp); PubMed 27957775 (cited by Illumina Laboratory Services, Illumina).